The following is an entry in ClinVar:

ClinVar aggregate classification (germline): Pathogenic/Likely pathogenic. Review status: criteria provided, multiple submitters, no conflicts (2 of 4 stars). 20 submissions from 18 submitters: Pathogenic (6); Likely pathogenic (11). 3 of the submissions do not count toward it. Last evaluated 2026-09-02.

Conditions:
Inherited ovarian cancer (without breast cancer).
Inherited breast cancer and ovarian cancer.
NICE approved PARP inhibitor treatment.
BRCA2-related cancer predisposition. Identifiers: MedGen CN377758, MONDO:0700269.
Breast and/or ovarian cancer. Identifiers: MedGen CN221562.
Hereditary cancer-predisposing syndrome. Also called: Neoplastic Syndromes, Hereditary; Hereditary neoplastic syndrome; Hereditary Cancer Syndrome; Tumor predisposition. Identifiers: Orphanet 140162, MedGen C0027672, MeSH D009386, MONDO:0015356.
Hereditary breast ovarian cancer syndrome. Also called: Hereditary breast and ovarian cancer syndrome (HBOC); Breast and ovarian cancer; BRCA1- and BRCA2-Associated Hereditary Breast and Ovarian Cancer; Hereditary breast and ovarian cancer syndrome; Hereditary breast and ovarian cancer; Hereditary breast and/or ovarian cancer syndrome. Identifiers: Orphanet 145, MedGen C0677776, MeSH D061325, MONDO:0003582. Disease mechanism: loss of function.
Breast-ovarian cancer, familial, susceptibility to, 2 (BROVCA2). Also called: BRCA2 Hereditary Breast and Ovarian Cancer. Identifiers: Orphanet 145, MedGen C2675520, MONDO:0012933, OMIM 612555. Disease mechanism: loss of function.
Familial cancer of breast. Also called: Hereditary breast cancer; hereditary breast carcinoma; BREAST CANCER, FAMILIAL. Identifiers: Orphanet 227535, MedGen C0346153, MONDO:0016419, OMIM 114480. Disease mechanism: loss of function.

Allele frequency attached by ClinVar (database versions not stated): gnomAD exomes 0.00005.

Submissions 1 to 9 of 20:

Genomics and Molecular Medicine Service, East Genomic Laboratory Hub, NHS Genomic Medicine Service
Classification: Likely pathogenic for Inherited ovarian cancer (without breast cancer). Last evaluated: 2026-09-02. Review status: criteria provided, single submitter. Criteria: ACGS Best Practice Guidelines for Variant Classification in Rare Disease 2020. Collection method: clinical testing. Allele origin: germline. Affected: yes.
Comment: PS3,PS4,PM2_Supporting

CeGaT Center for Human Genetics Tuebingen
Classification: Likely pathogenic. Last evaluated: 2026-06-01. Review status: criteria provided, single submitter. Criteria: CeGaT Center For Human Genetics Tuebingen Variant Classification Criteria Version 2. Collection method: clinical testing. Allele origin: germline. Affected: yes. Observed: 1 variant allele.
Comment: BRCA2: PM5, PS4:Moderate, PM2:Supporting, PS3:Supporting

Labcorp Genetics (formerly Invitae), Labcorp
Classification: Pathogenic for Hereditary breast ovarian cancer syndrome. Last evaluated: 2025-12-11. Review status: criteria provided, single submitter. Criteria: Invitae Variant Classification Sherloc (09022015). Collection method: clinical testing. Allele origin: germline.
Comment: This sequence change replaces leucine, which is neutral and non-polar, with arginine, which is basic and polar, at codon 3101 of the BRCA2 protein (p.Leu3101Arg). This variant is not present in population databases (gnomAD no frequency). This missense change has been observed in individual(s) with breast or ovarian cancer (external communication, internal data). In at least one individual the data is consistent with being in trans (on the opposite chromosome) from a pathogenic variant. It has also been observed to segregate with disease in related individuals. ClinVar contains an entry for this variant (Variation ID: 38230). Invitae Evidence Modeling incorporating data from in vitro experimental studies (PMID: 33609447) indicates that this missense variant is expected to disrupt BRCA2 function with a positive predictive value of 95%. For these reasons, this variant has been classified as Pathogenic.

Color Diagnostics, LLC DBA Color Health
Classification: Likely pathogenic for Hereditary cancer-predisposing syndrome. Last evaluated: 2025-07-15. Review status: criteria provided, single submitter. Criteria: ACMG Guidelines, 2015. Collection method: clinical testing. Allele origin: germline.
Comment: This missense variant replaces leucine with arginine at codon 3101 in the DNA binding/OB tower domain of the BRCA2 protein. Computational prediction is inconclusive regarding the impact of this variant on protein structure and function. Functional studies have reported that this variant impacts BRCA2 function in homology-directed DNA repair assays, in a haploid cell proliferation assay and in sensitivity assays to cisplatin, carboplatin and PARP inhibitors (PMID: 32377563, 32444794, 33609447, 35736817, 37922907, 39779848, 39779857). This variant has been detected in at least four individuals affected with breast cancer and in dozens of individuals who underwent cancer genetic testing (PMID: 32170000, 33471991Leiden Open Variation Database DB-ID BRCA2_000444Color internal data) and in an individual affected with sarcoma (PMID: 27498913). Multifactorial analysis has reached a combined likelihood ratio (LR) of 17.169 based on reported LR for co-occurrence with a pathogenic variant and personal and family history for 5 carriers (PMID: 31131967, 31853058). This variant also has been reported in a compound heterozygous carrier who has clinical phenotype consistent with Fanconi anemia (PMID: 33609447ClinVar variation ID 38230). This variant has been identified in 72/1613910 chromosomes in the general population by the Genome Aggregation Database (gnomAD v.4.1.0). Based on the available evidence, this variant is classified as Likely Pathogenic.

Molecular Pathology, Peter Maccallum Cancer Centre
Classification: Likely pathogenic for Breast-ovarian cancer, familial, susceptibility to, 2. Last evaluated: 2024-11-11. Review status: criteria provided, single submitter. Criteria: ACMG Guidelines, 2015. Collection method: clinical testing. Allele origin: germline. Inheritance: Autosomal dominant inheritance.

GeneDx
Classification: Pathogenic. Last evaluated: 2024-11-04. Review status: criteria provided, single submitter. Criteria: GeneDx Variant Classification Process June 2021. Collection method: clinical testing. Allele origin: germline. Affected: yes.
Comment: In silico analysis indicates that this missense variant does not alter protein structure/function; Not observed at significant frequency in large population cohorts (gnomAD); Also known as 9530T>G; This variant is associated with the following publications: (PMID: 19043619, 18724707, 25859162, 28726806, 32719484, 12228710, 29884841, 37922907, 33609447, 32377563, 34326862, 33471991, 32170000, 35736817, 35665744, 31131967, 27498913)

All of Us Research Program, National Institutes of Health
Classification: Likely pathogenic for BRCA2-related cancer predisposition. Last evaluated: 2024-06-28. Review status: criteria provided, single submitter. Criteria: ACMG Guidelines, 2015. Collection method: clinical testing. Allele origin: germline. Inheritance: Autosomal dominant inheritance. Observed: 2 variant alleles, 2 heterozygotes.
Comment: This missense variant replaces leucine with arginine at codon 3101 in the DNA binding/OB tower domain of the BRCA2 protein. Computational prediction is inconclusive regarding the impact of this variant on protein structure and function. Functional studies have reported that this variant impacts BRCA2 function in homology-directed repair assays (PMID: 32377563, 35736817) and cell viability and drug sensitivity in Brca2-deficient mouse embryonic stem cells (PMID: 37922907). This variant has been detected in at least four individuals affected with breast cancer and in dozens of individuals who underwent cancer genetic testing (PMID: 32170000, 33471991; Leiden Open Variation Database DB-ID BRCA2_000444; Color internal data) and in an individual affected with sarcoma (PMID: 27498913). A multifactorial analysis has reported segregation, tumor pathology, co-occurrence and family history likelihood ratios for pathogenicity of 1.1157, 3.623, 1.1293 and 0.191, respectively (PMID: 31131967). This variant also has been reported in a compound heterozygous carrier who has clinical phenotype consistent with Fanconi anemia (PMID: 33609447; ClinVar variation ID 38230). This variant has not been identified in the general population by the Genome Aggregation Database (gnomAD). Based on the available evidence, this variant is classified as Likely Pathogenic.

This study involves interpretation of variants in research participants for the purpose of population health screening. Participant phenotype was not available at the time of variant classification. Additional details can be found in publication PMID: 35346344, PMCID: PMC8962531

Genomics and Molecular Medicine Service, East Genomic Laboratory Hub, NHS Genomic Medicine Service
Classification: Likely pathogenic for Inherited breast cancer and ovarian cancer. Last evaluated: 2024-06-26. Review status: criteria provided, single submitter. Criteria: ACGS Best Practice Guidelines for Variant Classification in Rare Disease 2020. Collection method: clinical testing. Allele origin: germline. Affected: yes.
Comment: PS3,PM3

Women's Health and Genetics/Laboratory Corporation of America, LabCorp
Classification: Pathogenic for Hereditary breast ovarian cancer syndrome. Last evaluated: 2024-06-10. Review status: criteria provided, single submitter. Criteria: LabCorp Variant Classification Summary - May 2015. Collection method: clinical testing. Allele origin: germline.
Comment: Variant summary: BRCA2 c.9302T>G (p.Leu3101Arg) results in a non-conservative amino acid change located in the BRCA2, OB3 domain of the encoded protein sequence. Five of five in-silico tools predict a damaging effect of the variant on protein function. The variant was absent in 250968 control chromosomes. c.9302T>G has been reported in the literature in individuals/families affected with Hereditary Breast and Ovarian Cancer (McRonald_2019), and also in individuals affected with Fanconi anemia who were reported with additional BRCA2 pathogenic variants presumed or confirmed to be in trans (Dueber_2013). These data indicate that the variant is likely to be associated with disease. At least one publication reports experimental evidence evaluating an impact on protein function. In an HDR assay this variant was determined to be damaging ( (Hart_2019). The following publications have been ascertained in the context of this evaluation (PMID: 19043619, 27498913, 28726806).ClinVar contains an entry for this variant (Variation ID: 38230). Based on the evidence outlined above, the variant was classified as pathogenic.

NM_000059.4(BRCA2):c.9302T>G (p.Leu3101Arg)

Gene: BRCA2 (BRCA2 DNA repair associated; plus strand). Cytogenetic location: 13q13.1.
Variant type: single nucleotide variant.
Coding change: c.9302T>G on transcript NM_000059.4 (MANE Select); coding-DNA position 9302, T replaced by G.
Protein change: p.Leu3101Arg; replaces leucine 3101 with arginine.
Molecular consequence: missense variant.
Genome position (GRCh38, 1-based): chr13:32,394,734, T>G. VCF-style: chr13-32394734-T-G. GRCh37 (hg19) VCF-style: chr13-32968871-T-G.
Other names: 9530T>G; short protein forms L3101R.
Identifiers: ClinVar variation 38230 (VCV000038230.47), dbSNP rs28897758, ClinGen allele CA026098.